The following is an entry in ClinVar:

NM_002335.4(LRP5):c.292G>A (p.Ala98Thr)

Gene: LRP5 (LDL receptor related protein 5; plus strand). Cytogenetic location: 11q13.2.
Variant type: single nucleotide variant.
Coding change: c.292G>A on transcript NM_002335.4 (MANE Select); coding-DNA position 292, G replaced by A.
Protein change: p.Ala98Thr; replaces alanine 98 with threonine.
Molecular consequence: missense variant. On other transcripts: 5 prime UTR variant (1).
Genome position (GRCh38, 1-based): chr11:68,348,047, G>A. VCF-style: chr11-68348047-G-A. GRCh37 (hg19) VCF-style: chr11-68115515-G-A.
Other names: c.-1474G>A (NM_001291902.2); short protein forms A98T.
Identifiers: ClinVar variation 2970495 (VCV002970495.4), dbSNP rs1398614439, ClinGen allele CA381610466.

ClinVar aggregate classification (germline): Uncertain significance. Review status: criteria provided, multiple submitters, no conflicts (2 of 4 stars). 2 submissions from 2 submitters: Uncertain significance (2). Last evaluated 2024-06-05.

Conditions:
Worth disease. Also called: ENDOSTEAL HYPEROSTOSIS, AUTOSOMAL DOMINANT; OSTEOSCLEROSIS, AUTOSOMAL DOMINANT; Autosomal dominant osteosclerosis, Worth type. Identifiers: Orphanet 2790, MedGen C0432273, MONDO:0007764, OMIM 144750.
Bone mineral density quantitative trait locus 1 (BMND1). Identifiers: MedGen C1866079, OMIM 601884.
Osteoporosis with pseudoglioma (OPPG). Also called: osteoporosis-pseudoglioma syndrome. Identifiers: Orphanet 2788, MedGen C0432252, MONDO:0009820, OMIM 259770.
Polycystic liver disease 4 with or without kidney cysts. Identifiers: MedGen C4693479, MONDO:0044327, OMIM 617875.
Exudative vitreoretinopathy 4 (EVR4). Identifiers: Orphanet 891, MedGen C1866176, MONDO:0011151, OMIM 601813.
Autosomal dominant osteopetrosis 1 (OPTA1). Also called: OSTEOPETROSIS, AUTOSOMAL DOMINANT, TYPE I. Identifiers: Orphanet 2783, MedGen C1843330, MONDO:0011877, OMIM 607634.

Allele frequency attached by ClinVar (database versions not stated): gnomAD 0.00001; gnomAD exomes 0.00001; TOPMed 0.00003.

Submissions (2):

Labcorp Genetics (formerly Invitae), Labcorp
Classification: Uncertain significance. Last evaluated: 2024-06-05. Review status: criteria provided, single submitter. Criteria: Invitae Variant Classification Sherloc (09022015). Collection method: clinical testing. Allele origin: germline.
Comment: This sequence change replaces alanine, which is neutral and non-polar, with threonine, which is neutral and polar, at codon 98 of the LRP5 protein (p.Ala98Thr). This variant is present in population databases (no rsID available, gnomAD 0.006%). This variant has not been reported in the literature in individuals affected with LRP5-related conditions. Advanced modeling of protein sequence and biophysical properties (such as structural, functional, and spatial information, amino acid conservation, physicochemical variation, residue mobility, and thermodynamic stability) performed at Invitae indicates that this missense variant is not expected to disrupt LRP5 protein function with a negative predictive value of 95%. In summary, the available evidence is currently insufficient to determine the role of this variant in disease. Therefore, it has been classified as a Variant of Uncertain Significance.

Fulgent Genetics
Classification: Uncertain significance for Worth disease; Osteoporosis with pseudoglioma; Exudative vitreoretinopathy 4; Bone mineral density quantitative trait locus 1; Autosomal dominant osteopetrosis 1; Polycystic liver disease 4 with or without kidney cysts. Last evaluated: 2023-12-30. Review status: criteria provided, single submitter. Criteria: ACMG Guidelines, 2015. Collection method: clinical testing. Allele origin: germline.